The following is an entry in ClinVar:

NM_016343.4(CENPF):c.5890C>T (p.Arg1964Cys)

Gene: CENPF (centromere protein F; plus strand). Cytogenetic location: 1q41.
Variant type: single nucleotide variant.
Coding change: c.5890C>T on transcript NM_016343.4 (MANE Select); coding-DNA position 5890, C replaced by T.
Protein change: p.Arg1964Cys; replaces arginine 1964 with cysteine.
Molecular consequence: missense variant.
Genome position (GRCh38, 1-based): chr1:214,645,460, C>T. VCF-style: chr1-214645460-C-T. GRCh37 (hg19) VCF-style: chr1-214818803-C-T.
Other names: c.5890C>T (NM_016343.3); short protein forms R1964C.
Identifiers: ClinVar variation 1511953 (VCV001511953.11), dbSNP rs139947449, ClinGen allele CA1390865.

ClinVar aggregate classification (germline): Uncertain significance. Review status: criteria provided, multiple submitters, no conflicts (2 of 4 stars). 3 submissions from 3 submitters: Uncertain significance (3). Last evaluated 2025-12-25.

Conditions:
Inborn genetic diseases. Identifiers: MedGen C0950123, MeSH D030342.

Allele frequency attached by ClinVar (database versions not stated): gnomAD exomes 0.00004 and 0.00013; ExAC 0.00017; gnomAD 0.00033 and 0.00034; 1000 Genomes Project 0.00140; ESP Exome Variant Server 0.00038; TOPMed 0.00039; 1000 Genomes Project 30x 0.00125.
gnomAD v4.1: 113 of 1,613,672 alleles (0.007%); highest among the groups gnomAD compares: African/African-American, 0.12%; 1 homozygote.

Submissions (3):

Labcorp Genetics (formerly Invitae), Labcorp
Classification: Uncertain significance. Last evaluated: 2025-12-25. Review status: criteria provided, single submitter. Criteria: Invitae Variant Classification Sherloc (09022015). Collection method: clinical testing. Allele origin: germline.
Comment: This sequence change replaces arginine, which is basic and polar, with cysteine, which is neutral and slightly polar, at codon 1964 of the CENPF protein (p.Arg1964Cys). This variant is present in population databases (rs139947449, gnomAD 0.1%). This variant has not been reported in the literature in individuals affected with CENPF-related conditions. ClinVar contains an entry for this variant (Variation ID: 1511953). An algorithm developed to predict the effect of missense changes on protein structure and function outputs the following: PolyPhen-2: "Possibly Damaging". The cysteine amino acid residue is found in multiple mammalian species, which suggests that this missense change does not adversely affect protein function. In summary, the available evidence is currently insufficient to determine the role of this variant in disease. Therefore, it has been classified as a Variant of Uncertain Significance.

GeneDx
Classification: Uncertain significance. Last evaluated: 2024-12-10. Review status: criteria provided, single submitter. Criteria: GeneDx Variant Classification Process June 2021. Collection method: clinical testing. Allele origin: germline. Affected: yes.
Comment: Has not been previously published as pathogenic or benign to our knowledge; In silico analysis indicates that this missense variant does not alter protein structure/function

Ambry Genetics
Classification: Uncertain significance for Inborn genetic diseases. Last evaluated: 2021-08-02. Review status: criteria provided, single submitter. Criteria: Ambry Variant Classification Scheme 2023. Collection method: clinical testing. Allele origin: germline.